The following is an entry in ClinVar:

NM_015202.5(KATNIP):c.4772C>T (p.Ala1591Val)

Gene: KATNIP (katanin interacting protein; plus strand). Cytogenetic location: 16p12.1.
Variant type: single nucleotide variant.
Coding change: c.4772C>T on transcript NM_015202.5 (MANE Select); coding-DNA position 4772, C replaced by T.
Protein change: p.Ala1591Val; replaces alanine 1591 with valine.
Molecular consequence: missense variant.
Genome position (GRCh38, 1-based): chr16:27,777,940, C>T. VCF-style: chr16-27777940-C-T. GRCh37 (hg19) VCF-style: chr16-27789261-C-T.
Other names: c.4772C>T (NM_015202.2); short protein forms A1591V.
Identifiers: ClinVar variation 2170344 (VCV002170344.4), dbSNP rs763303857, ClinGen allele CA7978764.

ClinVar aggregate classification (germline): Uncertain significance. Review status: criteria provided, multiple submitters, no conflicts (2 of 4 stars). 3 submissions from 3 submitters: Uncertain significance (3). Last evaluated 2024-11-01.

Allele frequency attached by ClinVar (database versions not stated): gnomAD exomes 0.00001; TOPMed 0.00001; ExAC 0.00002.

Submissions (3):

Blueprint Genetics
Classification: Uncertain significance. Last evaluated: 2024-11-01. Review status: criteria provided, single submitter. Criteria: ACMG Guidelines, 2015. Collection method: clinical testing. Allele origin: germline.

Ambry Genetics
Classification: Uncertain significance. Last evaluated: 2023-12-12. Review status: criteria provided, single submitter. Criteria: Ambry Variant Classification Scheme 2023. Collection method: clinical testing. Allele origin: germline.

Labcorp Genetics (formerly Invitae), Labcorp
Classification: Uncertain significance. Last evaluated: 2022-06-27. Review status: criteria provided, single submitter. Criteria: Invitae Variant Classification Sherloc (09022015). Collection method: clinical testing. Allele origin: germline.
Comment: This variant is present in population databases (rs763303857, gnomAD 0.009%). In summary, the available evidence is currently insufficient to determine the role of this variant in disease. Therefore, it has been classified as a Variant of Uncertain Significance. Algorithms developed to predict the effect of missense changes on protein structure and function (SIFT, PolyPhen-2, Align-GVGD) all suggest that this variant is likely to be tolerated. This variant has not been reported in the literature in individuals affected with KIAA0556-related conditions. This sequence change replaces alanine, which is neutral and non-polar, with valine, which is neutral and non-polar, at codon 1591 of the KIAA0556 protein (p.Ala1591Val).